The following is an entry in ClinVar:

NM_001349798.2(FBXW7):c.1551A>G (p.Gly517=)

Gene: FBXW7 (F-box and WD repeat domain containing 7; minus strand). Cytogenetic location: 4q31.3.
Variant type: single nucleotide variant.
Coding change: c.1551A>G on transcript NM_001349798.2 (MANE Select); coding-DNA position 1551, A replaced by G.
Protein change: p.Gly517=; no amino-acid change (glycine 517 retained).
Molecular consequence: synonymous variant.
Genome position (GRCh38, 1-based): chr4:152,326,099, T>C on the plus strand (A>G on the coding strand, the complement: FBXW7 is on the minus strand). VCF-style: chr4-152326099-T-C. GRCh37 (hg19) VCF-style: chr4-153247251-T-C.
Other names: c.1197A>G, p.Gly399= (NM_001013415.2); c.1311A>G, p.Gly437= (NM_018315.5); c.1551A>G, p.Gly517= (NM_033632.3).
Identifiers: ClinVar variation 5038420 (VCV005038420.1).

ClinVar aggregate classification (germline): Uncertain significance (1 of 4 stars; one submission).

Conditions:
Developmental delay, hypotonia, and impaired language (DEDHIL). Identifiers: MedGen C5774202, MONDO:0859280, OMIM 620012.

Submission:

St. Jude Molecular Pathology, St. Jude Children's Research Hospital
Classification: Uncertain significance for Developmental delay, hypotonia, and impaired language. Last evaluated: 2026-10-01. Review status: criteria provided, single submitter. Criteria: St. Jude Assertion Criteria 2020. Collection method: clinical testing. Allele origin: germline.
Comment: The FBXW7 c.1551A>G p.(Gly517=) synonymous change is absent in gnomAD v2.1.1. Algorithms that predict the impact of sequence changes on splicing are inconclusive and to our knowledge these predictions have not been confirmed by RNA studies. To our knowledge, this variant has not been reported in the litera ture in individuals with FBXW7-associated conditions. In summary, the evidence currently available is insufficient to determine the clinical significance of this variant. It has therefore been classified as of uncertain significance (VUS-Low).